The following is an entry in ClinVar:

ClinVar aggregate classification (germline): Uncertain significance (1 of 4 stars; one submission).

Conditions:
Landau-Kleffner syndrome (FESD). Also called: EPILEPSY, FOCAL, WITH SPEECH DISORDER AND WITH OR WITHOUT MENTAL RETARDATION; APHASIA, ACQUIRED, WITH EPILEPSY. Identifiers: Orphanet 1945, Orphanet 725, Orphanet 98818, MedGen C0282512, MONDO:0009509, OMIM 245570.

Submission:

Labcorp Genetics (formerly Invitae), Labcorp
Classification: Uncertain significance for Landau-Kleffner syndrome. Last evaluated: 2025-07-07. Review status: criteria provided, single submitter. Criteria: Invitae Variant Classification Sherloc (09022015). Collection method: clinical testing. Allele origin: germline.
Comment: This sequence change replaces glycine, which is neutral and non-polar, with valine, which is neutral and non-polar, at codon 957 of the GRIN2A protein (p.Gly957Val). This variant is not present in population databases (gnomAD no frequency). This variant has not been reported in the literature in individuals affected with GRIN2A-related conditions. Invitae Evidence Modeling of protein sequence and biophysical properties (such as structural, functional, and spatial information, amino acid conservation, physicochemical variation, residue mobility, and thermodynamic stability) indicates that this missense variant is not expected to disrupt GRIN2A protein function with a negative predictive value of 95%. In summary, the available evidence is currently insufficient to determine the role of this variant in disease. Therefore, it has been classified as a Variant of Uncertain Significance.

NM_001134407.3(GRIN2A):c.2870G>T (p.Gly957Val)

Gene: GRIN2A (glutamate ionotropic receptor NMDA type subunit 2A; minus strand). Cytogenetic location: 16p13.2.
Variant type: single nucleotide variant.
Coding change: c.2870G>T on transcript NM_001134407.3 (MANE Select); coding-DNA position 2870, G replaced by T.
Protein change: p.Gly957Val; replaces glycine 957 with valine.
Molecular consequence: missense variant.
Genome position (GRCh38, 1-based): chr16:9,764,674, C>A on the plus strand (G>T on the coding strand, the complement: GRIN2A is on the minus strand). VCF-style: chr16-9764674-C-A. GRCh37 (hg19) VCF-style: chr16-9858531-C-A.
Other names: c.2870G>T, p.Gly957Val (NM_000833.5, NM_001134408.2); short protein forms G957V.
Identifiers: ClinVar variation 4802914 (VCV004802914.1).